The following is an entry in ClinVar:

NM_144997.7(FLCN):c.1367A>G (p.Asp456Gly)

Gene: FLCN (folliculin; minus strand). Cytogenetic location: 17p11.2.
Variant type: single nucleotide variant.
Coding change: c.1367A>G on transcript NM_144997.7 (MANE Select); coding-DNA position 1367, A replaced by G.
Protein change: p.Asp456Gly; replaces aspartic acid 456 with glycine.
Molecular consequence: missense variant.
Genome position (GRCh38, 1-based): chr17:17,215,250, T>C on the plus strand (A>G on the coding strand, the complement: FLCN is on the minus strand). VCF-style: chr17-17215250-T-C. GRCh37 (hg19) VCF-style: chr17-17118564-T-C.
Other names: c.1421A>G, p.Asp474Gly (NM_001353229.2); c.1367A>G, p.Asp456Gly (NM_001353230.2, NM_001353231.2); short protein forms D456G, D474G.
Identifiers: ClinVar variation 3515611 (VCV003515611.2).

ClinVar aggregate classification (germline): Uncertain significance. Review status: criteria provided, multiple submitters, no conflicts (2 of 4 stars). 2 submissions from 2 submitters: Uncertain significance (2). Last evaluated 2025-12-29.

Conditions:
Hereditary cancer-predisposing syndrome. Also called: Tumor predisposition; Neoplastic Syndromes, Hereditary; Hereditary Cancer Syndrome; Hereditary neoplastic syndrome. Identifiers: Orphanet 140162, MedGen C0027672, MeSH D009386, MONDO:0015356.

Submissions (2):

Center for Genomic Medicine, Rigshospitalet, Copenhagen University Hospital
Classification: Uncertain significance. Last evaluated: 2025-12-29. Review status: criteria provided, single submitter. Criteria: ACMG Guidelines, 2015. Collection method: clinical testing. Allele origin: germline.

Ambry Genetics
Classification: Uncertain significance for Hereditary cancer-predisposing syndrome. Last evaluated: 2024-08-24. Review status: criteria provided, single submitter. Criteria: Ambry Variant Classification Scheme 2023. Collection method: clinical testing. Allele origin: germline.
Comment: The p.D456G variant (also known as c.1367A>G), located in coding exon 9 of the FLCN gene, results from an A to G substitution at nucleotide position 1367. The aspartic acid at codon 456 is replaced by glycine, an amino acid with similar properties. This amino acid position is conserved. In addition, the in silico prediction for this alteration is inconclusive. Based on the available evidence, the clinical significance of this variant remains unclear.